The following is an entry in ClinVar:

ClinVar aggregate classification (germline): Uncertain significance (1 of 4 stars; one submission).

Submission:

Labcorp Genetics (formerly Invitae), Labcorp
Classification: Uncertain significance. Last evaluated: 2025-07-07. Review status: criteria provided, single submitter. Criteria: Invitae Variant Classification Sherloc (09022015). Collection method: clinical testing. Allele origin: germline.
Comment: This sequence change replaces alanine, which is neutral and non-polar, with serine, which is neutral and polar, at codon 1212 of the FRAS1 protein (p.Ala1212Ser). This variant is not present in population databases (gnomAD no frequency). This variant has not been reported in the literature in individuals affected with FRAS1-related conditions. ClinVar contains an entry for this variant (Variation ID: 2120285). Invitae Evidence Modeling of protein sequence and biophysical properties (such as structural, functional, and spatial information, amino acid conservation, physicochemical variation, residue mobility, and thermodynamic stability) indicates that this missense variant is expected to disrupt FRAS1 protein function with a positive predictive value of 80%. In summary, the available evidence is currently insufficient to determine the role of this variant in disease. Therefore, it has been classified as a Variant of Uncertain Significance.

NM_025074.7(FRAS1):c.3634G>T (p.Ala1212Ser)

Gene: FRAS1 (Fraser extracellular matrix complex subunit 1; plus strand). Cytogenetic location: 4q21.21.
Variant type: single nucleotide variant.
Coding change: c.3634G>T on transcript NM_025074.7 (MANE Select); coding-DNA position 3634, G replaced by T.
Protein change: p.Ala1212Ser; replaces alanine 1212 with serine.
Molecular consequence: missense variant.
Genome position (GRCh38, 1-based): chr4:78,384,129, G>T. VCF-style: chr4-78384129-G-T. GRCh37 (hg19) VCF-style: chr4-79305283-G-T.
Other names: c.3634G>T, p.Ala1212Ser (NM_001166133.2); short protein forms A1212S.
Identifiers: ClinVar variation 2120285 (VCV002120285.4), dbSNP rs377716669, ClinGen allele CA357376443.
Genomic context (GRCh38, chr4:78,384,129, plus strand): 5'-CTTTTCCTGAAAATTAGTGACCAGCAGTTCTTCTCTGAGCCACAGCTGATCAACATACAA[G>T]CATTTTCAACACAGGTAATAAAAATGGCCACGTAATTAATAATTTTACATGACTACTAGT-3'
Protein context (NP_079350.5, residues 1202-1222): FSEPQLINIQ[Ala1212Ser]FSTQAPYVLR